The following is an entry in ClinVar:

ClinVar aggregate classification (germline): Uncertain significance. Review status: criteria provided, multiple submitters, no conflicts (2 of 4 stars). 3 submissions from 3 submitters: Uncertain significance (3). Last evaluated 2025-12-08.

gnomAD v4.1: 14 of 1,613,592 alleles (0.00087%); highest among the groups gnomAD compares: African/African-American, 0.008%; no homozygotes.

Submissions (3):

Ambry Genetics
Classification: Uncertain significance. Last evaluated: 2025-12-08. Review status: criteria provided, single submitter. Criteria: Ambry Variant Classification Scheme 2023. Collection method: clinical testing. Allele origin: germline.

Labcorp Genetics (formerly Invitae), Labcorp
Classification: Uncertain significance. Last evaluated: 2025-11-01. Review status: criteria provided, single submitter. Criteria: Invitae Variant Classification Sherloc (09022015). Collection method: clinical testing. Allele origin: germline.
Comment: This sequence change replaces glutamic acid, which is acidic and polar, with glycine, which is neutral and non-polar, at codon 740 of the WDR36 protein (p.Glu740Gly). This variant is present in population databases (no rsID available, gnomAD 0.01%). This variant has not been reported in the literature in individuals affected with WDR36-related conditions. Invitae Evidence Modeling of protein sequence and biophysical properties (such as structural, functional, and spatial information, amino acid conservation, physicochemical variation, residue mobility, and thermodynamic stability) indicates that this missense variant is not expected to disrupt WDR36 protein function with a negative predictive value of 80%. In summary, the available evidence is currently insufficient to determine the role of this variant in disease. Therefore, it has been classified as a Variant of Uncertain Significance.

Blueprint Genetics
Classification: Uncertain significance. Last evaluated: 2023-11-15. Review status: criteria provided, single submitter. Criteria: ACMG Guidelines, 2015. Collection method: clinical testing. Allele origin: germline.

NM_139281.3(WDR36):c.2051A>G (p.Glu684Gly)

Gene: WDR36 (WD repeat domain 36; plus strand). Cytogenetic location: 5q22.1.
Variant type: single nucleotide variant.
Coding change: c.2051A>G on transcript NM_139281.3 (MANE Select); coding-DNA position 2051, A replaced by G.
Protein change: p.Glu684Gly; replaces glutamic acid 684 with glycine.
Molecular consequence: missense variant.
Genome position (GRCh38, 1-based): chr5:111,121,044, A>G. VCF-style: chr5-111121044-A-G. GRCh37 (hg19) VCF-style: chr5-110456742-A-G.
Other names: short protein forms E684G.
Identifiers: ClinVar variation 4604633 (VCV004604633.3).